The following is an entry in ClinVar:

ClinVar aggregate classification (germline): Pathogenic. Review status: criteria provided, single submitter (1 of 4 stars). 2 submissions from 2 submitters: Pathogenic (1). 1 of the submissions does not count toward it. Last evaluated 2022-03-18.

Conditions:
Hypertrophic cardiomyopathy 26. Also called: Cardiomyopathy, familial hypertrophic, 26. Identifiers: Orphanet 75249, MedGen C4310749, MONDO:0014883, OMIM 617047.
Distal myopathy with posterior leg and anterior hand involvement. Also called: WILLIAMS DISTAL MYOPATHY. Identifiers: Orphanet 63273, MedGen C3279722, MONDO:0013550, OMIM 614065.
Myofibrillar myopathy 5. Also called: FILAMINOPATHY, AUTOSOMAL DOMINANT; Filaminopathy (type). Identifiers: Orphanet 171445, MedGen C1836050, MONDO:0012289, OMIM 609524.

Submissions (2):

Labcorp Genetics (formerly Invitae), Labcorp
Classification: Pathogenic for Distal myopathy with posterior leg and anterior hand involvement; Myofibrillar myopathy 5; Hypertrophic cardiomyopathy 26. Last evaluated: 2022-03-18. Review status: criteria provided, single submitter. Criteria: Invitae Variant Classification Sherloc (09022015). Collection method: clinical testing. Allele origin: germline.
Comment: This variant is not present in population databases (gnomAD no frequency). This premature translational stop signal has been observed in individuals with dilated cardiomyopathy (PMID: 28008423). This variant is also known as c.5669-1delG. ClinVar contains an entry for this variant (Variation ID: 567017). Algorithms developed to predict the effect of sequence changes on RNA splicing suggest that this variant may disrupt the consensus splice site. For these reasons, this variant has been classified as Pathogenic. This sequence change creates a premature translational stop signal (p.Gly1891Valfs*62) in the FLNC gene. It is expected to result in an absent or disrupted protein product. Loss-of-function variants in FLNC are known to be pathogenic (PMID: 27908349).

OMIM
Classification: Pathogenic for CARDIOMYOPATHY, FAMILIAL DILATED, 1PP. Last evaluated: 2023-06-16. Review status: no assertion criteria provided. Collection method: literature only. Allele origin: germline. Not counted in ClinVar's aggregate classification.

Literature cited by the submitters: PubMed 28008423 (cited by Labcorp Genetics (formerly Invitae), Labcorp and OMIM); PubMed 27908349 (cited by Labcorp Genetics (formerly Invitae), Labcorp).

NM_001458.5(FLNC):c.5669-1del

Genes: FLNC-AS1 (FLNC antisense RNA 1; minus strand), FLNC (filamin C; plus strand). Cytogenetic location: 7q32.1.
Variant type: Deletion.
Coding change: c.5669-1del on transcript NM_001458.5 (MANE Select); the canonical splice acceptor site of the intron before coding-DNA position 5669, one base deleted (G; older notation c.5669-1delG).
Molecular consequence: splice acceptor variant. On other transcripts: non-coding transcript variant (1).
Genome position (GRCh38, 1-based): chr7:128,851,458, G deleted; the last of 5 consecutive G bases (chr7:128,851,454-128,851,458); deleting any one gives the same sequence. VCF-style (leftmost placement, unchanged base first): chr7-128851453-AG-A. GRCh37 (hg19) VCF-style: chr7-128491507-AG-A.
Identifiers: ClinVar variation 567017 (VCV000567017.15), dbSNP rs1563001548, ClinGen allele CA891842996.